The following is an entry in ClinVar:

NM_000535.7(PMS2):c.1375del (p.Ser459fs)

Gene: PMS2 (PMS1 homolog 2, mismatch repair system component; minus strand). Cytogenetic location: 7p22.1.
Variant type: Deletion.
Coding change: c.1375del on transcript NM_000535.7 (MANE Select); coding-DNA position 1375, one base deleted (T; older notation c.1375delT).
Protein change: p.Ser459fs; shifts the reading frame from serine 459.
Molecular consequence: frameshift variant. On other transcripts: non-coding transcript variant (1).
Genome position (GRCh38, 1-based): chr7:5,987,390, A deleted on the plus strand (T on the coding strand, the reverse complement: PMS2 is on the minus strand); the first of 2 consecutive A bases (chr7:5,987,390-5,987,391); deleting either gives the same sequence. VCF-style (leftmost placement, unchanged base first): chr7-5987389-GA-G. GRCh37 (hg19) VCF-style: chr7-6027020-GA-G.
Other names: c.970del, p.Ser324fs (NM_001322003.2, NM_001322004.2, NM_001322005.2 and 1 more transcripts); c.1219del, p.Ser407fs (NM_001322006.2); c.1057del, p.Ser353fs (NM_001322007.2, NM_001322008.2); c.814del, p.Ser272fs (NM_001322010.2); c.442del, p.Ser148fs (NM_001322011.2, NM_001322012.2); c.802del, p.Ser268fs (NM_001322013.2); c.1375del, p.Ser459fs (NM_001322014.2); c.1066del, p.Ser356fs (NM_001322015.2); short protein forms S268fs, S272fs, S407fs, S148fs, S459fs, S324fs, S353fs, S356fs.
Identifiers: ClinVar variation 942549 (VCV000942549.7), dbSNP rs1783113930, ClinGen allele CA1139659558.

ClinVar aggregate classification (germline): Pathogenic (1 of 4 stars; one submission).

Conditions:
Hereditary nonpolyposis colorectal neoplasms. Identifiers: MedGen C0009405, MeSH D003123.

Submission:

Labcorp Genetics (formerly Invitae), Labcorp
Classification: Pathogenic for Hereditary nonpolyposis colorectal neoplasms. Last evaluated: 2019-09-26. Review status: criteria provided, single submitter. Criteria: Invitae Variant Classification Sherloc (09022015). Collection method: clinical testing. Allele origin: germline.
Comment: This variant is not present in population databases (ExAC no frequency). Loss-of-function variants in PMS2 are known to be pathogenic (PMID: 21376568, 24362816). This variant has not been reported in the literature in individuals with PMS2-related conditions. This sequence change creates a premature translational stop signal (p.Ser459Glnfs*10) in the PMS2 gene. It is expected to result in an absent or disrupted protein product. For these reasons, this variant has been classified as Pathogenic.

Literature cited by the submitters: PubMed 21376568; PubMed 24362816.